The following is an entry in ClinVar:

ClinVar aggregate classification (germline): Uncertain significance. Review status: criteria provided, multiple submitters, no conflicts (2 of 4 stars). 4 submissions from 4 submitters: Uncertain significance (4). Last evaluated 2026-05-18.

Conditions:
Inborn genetic diseases. Identifiers: MedGen C0950123, MeSH D030342.
SAMD9-related disorder. Also called: SAMD9-related condition.

gnomAD v4.1: 1 of 1,613,816 alleles (0.000062%); no homozygotes.

Submissions (4):

Ambry Genetics
Classification: Uncertain significance for Inborn genetic diseases. Last evaluated: 2026-05-18. Review status: criteria provided, single submitter. Criteria: Ambry Variant Classification Scheme 2023. Collection method: clinical testing. Allele origin: germline.
Comment: The p.D799H variant (also known as c.2395G>C), located in coding exon 1 of the SAMD9 gene, results from a G to C substitution at nucleotide position 2395. The aspartic acid at codon 799 is replaced by histidine, an amino acid with similar properties. This amino acid position is conserved. In addition, this alteration is predicted to be deleterious by in silico analysis. Based on the available evidence, the clinical significance of this variant remains unclear.

Labcorp Genetics (formerly Invitae), Labcorp
Classification: Uncertain significance. Last evaluated: 2024-08-09. Review status: criteria provided, single submitter. Criteria: Invitae Variant Classification Sherloc (09022015). Collection method: clinical testing. Allele origin: germline.
Comment: This sequence change replaces aspartic acid, which is acidic and polar, with histidine, which is basic and polar, at codon 799 of the SAMD9 protein (p.Asp799His). This variant is not present in population databases (gnomAD no frequency). This variant has not been reported in the literature in individuals affected with SAMD9-related conditions. ClinVar contains an entry for this variant (Variation ID: 2635415). Advanced modeling of protein sequence and biophysical properties (such as structural, functional, and spatial information, amino acid conservation, physicochemical variation, residue mobility, and thermodynamic stability) has been performed at Invitae for this missense variant, however the output from this modeling did not meet the statistical confidence thresholds required to predict the impact of this variant on SAMD9 protein function. In summary, the available evidence is currently insufficient to determine the role of this variant in disease. Therefore, it has been classified as a Variant of Uncertain Significance.

CeGaT Center for Human Genetics Tuebingen
Classification: Uncertain significance. Last evaluated: 2023-02-01. Review status: criteria provided, single submitter. Criteria: CeGaT Center For Human Genetics Tuebingen Variant Classification Criteria Version 2. Collection method: clinical testing. Allele origin: germline. Affected: yes. Observed: 1 variant allele.
Comment: SAMD9: PM2

PreventionGenetics, part of Exact Sciences
Classification: Uncertain significance for SAMD9-related condition. Last evaluated: 2022-11-10. Review status: criteria provided, single submitter. Criteria: ACMG Guidelines, 2015. Collection method: clinical testing. Allele origin: germline.
Comment: The SAMD9 c.2395G>C variant is predicted to result in the amino acid substitution p.Asp799His. To our knowledge, this variant has not been reported in the literature or in a large population database, indicating this variant is rare. At this time, the clinical significance of this variant is uncertain due to the absence of conclusive functional and genetic evidence.

NM_017654.4(SAMD9):c.2395G>C (p.Asp799His)

Gene: SAMD9 (sterile alpha motif domain containing 9; minus strand). Cytogenetic location: 7q21.2.
Variant type: single nucleotide variant.
Coding change: c.2395G>C on transcript NM_017654.4 (MANE Select); coding-DNA position 2395, G replaced by C.
Protein change: p.Asp799His; replaces aspartic acid 799 with histidine.
Molecular consequence: missense variant.
Genome position (GRCh38, 1-based): chr7:93,103,703, C>G on the plus strand (G>C on the coding strand, the complement: SAMD9 is on the minus strand). VCF-style: chr7-93103703-C-G. GRCh37 (hg19) VCF-style: chr7-92733016-C-G.
Other names: c.2395G>C, p.Asp799His (NM_001193307.2); short protein forms D799H.
Identifiers: ClinVar variation 2635415 (VCV002635415.27), dbSNP rs2535358342, ClinGen allele CA368190837.
Genomic context (GRCh38, chr7:93,103,703, plus strand): 5'-CTATAGCTGTTTGAATAGAGTACTGCAGAAGATAGACATTATCTTGTTCTTCAAAATCAT[C>G]AACAAGGAGTAGTACAGGTACGTATTCCTGACGGTTCATTGCCCCATAGGTGATTAAACT-3'
Protein context (NP_060124.2, residues 789-809): QEYVPVLLLV[Asp799His]DFEEQDNVYL